The following is an entry in ClinVar:

NM_001042492.3(NF1):c.7125T>A (p.Asp2375Glu)

Gene: NF1 (neurofibromin 1; plus strand). Cytogenetic location: 17q11.2.
Variant type: single nucleotide variant.
Coding change: c.7125T>A on transcript NM_001042492.3 (MANE Select); coding-DNA position 7125, T replaced by A.
Protein change: p.Asp2375Glu; replaces aspartic acid 2375 with glutamic acid.
Molecular consequence: missense variant.
Genome position (GRCh38, 1-based): chr17:31,343,071, T>A. VCF-style: chr17-31343071-T-A. GRCh37 (hg19) VCF-style: chr17-29670089-T-A.
Other names: c.7062T>A, p.Asp2354Glu (NM_000267.4); short protein forms D2375E, D2354E.
Identifiers: ClinVar variation 956319 (VCV000956319.7), dbSNP rs1597851343, ClinGen allele CA399015644.
Genomic context (GRCh38, chr17:31,343,071, plus strand): 5'-TCCAGAGGAAGTATTTATGGCAATCCGGAATCCTCTGGAGTGGCACTGCAAGCAAATGGA[T>A]CATTTTGTTGGACTCAATTTCAACTCTAACTTTAACTTTGCATTGGTTGGACACCTTTTA-3'
Protein context (NP_001035957.1, residues 2365-2385): NPLEWHCKQM[Asp2375Glu]HFVGLNFNSN

ClinVar aggregate classification (germline): Uncertain significance. Review status: criteria provided, multiple submitters, no conflicts (2 of 4 stars). 2 submissions from 2 submitters: Uncertain significance (2). Last evaluated 2024-12-04.

Conditions:
Cardiovascular phenotype. Identifiers: MedGen CN230736.
Hereditary cancer-predisposing syndrome. Also called: Hereditary neoplastic syndrome; Tumor predisposition; Neoplastic Syndromes, Hereditary; Hereditary Cancer Syndrome. Identifiers: Orphanet 140162, MedGen C0027672, MeSH D009386, MONDO:0015356.
Neurofibromatosis, type 1 (NF1). Also called: VON RECKLINGHAUSEN DISEASE; NEUROFIBROMATOSIS, TYPE I, SOMATIC; Peripheral type neurofibromatosis; Neurofibromatosis, type I. Identifiers: Orphanet 636, MedGen C0027831, MONDO:0018975, OMIM 162200. Disease mechanism: loss of function.

Submissions (2):

Labcorp Genetics (formerly Invitae), Labcorp
Classification: Uncertain significance for Neurofibromatosis, type 1. Last evaluated: 2024-12-04. Review status: criteria provided, single submitter. Criteria: Invitae Variant Classification Sherloc (09022015). Collection method: clinical testing. Allele origin: germline.
Comment: This sequence change replaces aspartic acid, which is acidic and polar, with glutamic acid, which is acidic and polar, at codon 2354 of the NF1 protein (p.Asp2354Glu). This variant is not present in population databases (gnomAD no frequency). This variant has not been reported in the literature in individuals affected with NF1-related conditions. ClinVar contains an entry for this variant (Variation ID: 956319). Invitae Evidence Modeling of protein sequence and biophysical properties (such as structural, functional, and spatial information, amino acid conservation, physicochemical variation, residue mobility, and thermodynamic stability) indicates that this missense variant is expected to disrupt NF1 protein function with a positive predictive value of 95%. In summary, the available evidence is currently insufficient to determine the role of this variant in disease. Therefore, it has been classified as a Variant of Uncertain Significance.

Ambry Genetics
Classification: Uncertain significance for Cardiovascular phenotype; Hereditary cancer-predisposing syndrome. Last evaluated: 2024-06-30. Review status: criteria provided, single submitter. Criteria: Ambry Variant Classification Scheme 2023. Collection method: clinical testing. Allele origin: germline.
Comment: The p.D2354E variant (also known as c.7062T>A), located in coding exon 47 of the NF1 gene, results from a T to A substitution at nucleotide position 7062. The aspartic acid at codon 2354 is replaced by glutamic acid, an amino acid with highly similar properties. This amino acid position is conserved. In addition, the in silico prediction for this alteration is inconclusive. Based on the available evidence, the clinical significance of this variant remains unclear.